The following is an entry in ClinVar:

NM_013382.7(POMT2):c.1786-18A>G

Gene: POMT2 (protein O-mannosyltransferase 2; minus strand). Cytogenetic location: 14q24.3.
Variant type: single nucleotide variant.
Coding change: c.1786-18A>G on transcript NM_013382.7 (MANE Select); 18 bases into the intron before coding-DNA position 1786, A replaced by G.
Molecular consequence: intron variant.
Genome position (GRCh38, 1-based): chr14:77,279,946, T>C on the plus strand (A>G on the coding strand, the complement: POMT2 is on the minus strand). VCF-style: chr14-77279946-T-C. GRCh37 (hg19) VCF-style: chr14-77746289-T-C.
Identifiers: ClinVar variation 682263 (VCV000682263.12), dbSNP rs193173216, ClinGen allele CA7285693.

ClinVar aggregate classification (germline): Likely benign. Review status: criteria provided, multiple submitters, no conflicts (2 of 4 stars). 2 submissions from 2 submitters: Likely benign (2). Last evaluated 2026-01-09.

Conditions:
Autosomal recessive limb-girdle muscular dystrophy type 2N. Also called: MUSCULAR DYSTROPHY-DYSTROGLYCANOPATHY, LIMB-GIRDLE, POMT2-RELATED; Muscular dystrophy-dystroglycanopathy (limb-girdle), type C, 2. Identifiers: Orphanet 206559, MedGen C3150418, MONDO:0013162, OMIM 613158.
Muscular dystrophy-dystroglycanopathy (congenital with brain and eye anomalies), type A2. Also called: MUSCULAR DYSTROPHY-DYSTROGLYCANOPATHY (CONGENITAL WITH BRAIN AND EYE ANOMALIES), TYPE A, 2; WALKER-WARBURG SYNDROME OR MUSCLE-EYE-BRAIN DISEASE, POMT2-RELATED. Identifiers: Orphanet 588, Orphanet 899, MedGen C3150411, MONDO:0013154, OMIM 613150.
Muscular dystrophy-dystroglycanopathy (congenital with impaired intellectual development), type B, 2. Also called: Muscular dystrophy-dystroglycanopathy (congenital with intellectual disability), type B2; MUSCULAR DYSTROPHY, CONGENITAL, POMT2-RELATED. Identifiers: MedGen C3150416, MONDO:0013160, OMIM 613156.

Allele frequency attached by ClinVar (database versions not stated): gnomAD 0.00038 and 0.00039; ESP Exome Variant Server 0.00054; gnomAD exomes 0.00004 and 0.00010; ExAC 0.00015; 1000 Genomes Project 0.00040; TOPMed 0.00040; 1000 Genomes Project 30x 0.00047.
gnomAD v4.1: 114 of 1,614,148 alleles (0.0071%); highest among the groups gnomAD compares: African/African-American, 0.14%; no homozygotes.

Submissions (2):

Labcorp Genetics (formerly Invitae), Labcorp
Classification: Likely benign for Muscular dystrophy-dystroglycanopathy (congenital with impaired intellectual development), type B, 2; Muscular dystrophy-dystroglycanopathy (congenital with brain and eye anomalies), type A2; Autosomal recessive limb-girdle muscular dystrophy type 2N. Last evaluated: 2026-01-09. Review status: criteria provided, single submitter. Criteria: Invitae Variant Classification Sherloc (09022015). Collection method: clinical testing. Allele origin: germline.

GeneDx
Classification: Likely benign. Last evaluated: 2018-04-25. Review status: criteria provided, single submitter. Criteria: GeneDx Variant Classification (06012015). Collection method: clinical testing. Allele origin: germline. Affected: yes.
Comment: This variant is considered likely benign or benign based on one or more of the following criteria: it is a conservative change, it occurs at a poorly conserved position in the protein, it is predicted to be benign by multiple in silico algorithms, and/or has population frequency not consistent with disease.